The following is an entry in ClinVar:

ClinVar aggregate classification (germline): Uncertain significance (1 of 4 stars; one submission).

Conditions:
Cardiovascular phenotype. Identifiers: MedGen CN230736.

Submission:

Ambry Genetics
Classification: Uncertain significance for Cardiovascular phenotype. Last evaluated: 2018-05-09. Review status: criteria provided, single submitter. Criteria: Ambry Variant Classification Scheme 2023. Collection method: clinical testing. Allele origin: germline.
Comment: The p.T18660P variant (also known as c.55978A>C), located in coding exon 153 of the TTN gene, results from an A to C substitution at nucleotide position 55978. The threonine at codon 18660 is replaced by proline, an amino acid with highly similar properties. This amino acid position is highly conserved in available vertebrate species. In addition, the in silico prediction for this alteration is inconclusive. Since supporting evidence is limited at this time, the clinical significance of this alteration remains unclear.

NM_001267550.2(TTN):c.83173A>C (p.Thr27725Pro)

Genes: TTN (titin; minus strand), TTN-AS1 (TTN antisense RNA 1; plus strand). Cytogenetic location: 2q31.2.
Variant type: single nucleotide variant.
Coding change: c.83173A>C on transcript NM_001267550.2 (MANE Select); coding-DNA position 83173, A replaced by C.
Protein change: p.Thr27725Pro; replaces threonine 27725 with proline.
Molecular consequence: missense variant.
Genome position (GRCh38, 1-based): chr2:178,562,959, T>G on the plus strand (A>C on the coding strand, the complement: TTN is on the minus strand). VCF-style: chr2-178562959-T-G. GRCh37 (hg19) VCF-style: chr2-179427686-T-G.
Other names: c.78250A>C, p.Thr26084Pro (NM_001256850.1); c.55978A>C, p.Thr18660Pro (NM_003319.4); c.75469A>C, p.Thr25157Pro (NM_133378.4); c.56353A>C, p.Thr18785Pro (NM_133432.3); c.56554A>C, p.Thr18852Pro (NM_133437.4); short protein forms T27725P, T25157P, T26084P, T18660P, T18785P, T18852P.
Identifiers: ClinVar variation 1748514 (VCV001748514.2), dbSNP rs2468143379, ClinGen allele CA349569039.